The following is an entry in ClinVar:

ClinVar aggregate classification (germline): Uncertain significance (1 of 4 stars; one submission).

Submission:

GeneDx
Classification: Uncertain significance. Last evaluated: 2023-10-03. Review status: criteria provided, single submitter. Criteria: GeneDx Variant Classification Process June 2021. Collection method: clinical testing. Allele origin: germline. Affected: yes.
Comment: Not observed at significant frequency in large population cohorts (gnomAD); In silico analysis supports that this missense variant does not alter protein structure/function; Has not been previously published as pathogenic or benign to our knowledge

NM_001378454.1(ALMS1):c.10514T>C (p.Val3505Ala)

Gene: ALMS1 (ALMS1 centrosome and basal body associated protein; plus strand). Cytogenetic location: 2p13.1.
Variant type: single nucleotide variant.
Coding change: c.10514T>C on transcript NM_001378454.1 (MANE Select); coding-DNA position 10514, T replaced by C.
Protein change: p.Val3505Ala; replaces valine 3505 with alanine.
Molecular consequence: missense variant.
Genome position (GRCh38, 1-based): chr2:73,572,391, T>C. VCF-style: chr2-73572391-T-C. GRCh37 (hg19) VCF-style: chr2-73799518-T-C.
Other names: c.10517T>C, p.Val3506Ala (NM_015120.4); short protein forms V3505A, V3506A.
Identifiers: ClinVar variation 3253059 (VCV003253059.1), dbSNP rs2466443322.